The following is an entry in ClinVar:

NM_000038.6(APC):c.5603A>G (p.Asp1868Gly)

Gene: APC (APC regulator of Wnt signaling pathway; plus strand). Cytogenetic location: 5q22.2.
Variant type: single nucleotide variant.
Coding change: c.5603A>G on transcript NM_000038.6 (MANE Select); coding-DNA position 5603, A replaced by G.
Protein change: p.Asp1868Gly; replaces aspartic acid 1868 with glycine.
Molecular consequence: missense variant.
Genome position (GRCh38, 1-based): chr5:112,841,197, A>G. VCF-style: chr5-112841197-A-G. GRCh37 (hg19) VCF-style: chr5-112176894-A-G.
Other names: c.5603A>G, p.Asp1868Gly (NM_001127510.3, NM_001354895.2); c.5549A>G, p.Asp1850Gly (NM_001127511.3); c.5657A>G, p.Asp1886Gly (NM_001354896.2); c.5633A>G, p.Asp1878Gly (NM_001354897.2); c.5528A>G, p.Asp1843Gly (NM_001354898.2); c.5519A>G, p.Asp1840Gly (NM_001354899.2); c.5480A>G, p.Asp1827Gly (NM_001354900.2); c.5426A>G, p.Asp1809Gly (NM_001354901.2); and 5 more; short protein forms D1850G, D1868G, D1767G, D1843G, D1742G, D1777G, D1827G, D1878G.
Identifiers: ClinVar variation 184835 (VCV000184835.56), dbSNP rs781026376, ClinGen allele CA010529.

ClinVar aggregate classification (germline): Uncertain significance. Review status: criteria provided, multiple submitters, no conflicts (2 of 4 stars). 5 submissions from 5 submitters: Uncertain significance (5). Last evaluated 2025-10-22.

Conditions:
Classic or attenuated familial adenomatous polyposis. Identifiers: MedGen CN372698, MONDO:0021057.
Hereditary cancer-predisposing syndrome. Also called: Hereditary neoplastic syndrome; Neoplastic Syndromes, Hereditary; Tumor predisposition; Hereditary Cancer Syndrome. Identifiers: Orphanet 140162, MedGen C0027672, MeSH D009386, MONDO:0015356.
Familial adenomatous polyposis 1 (FAP1). Also called: FAMILIAL ADENOMATOUS POLYPOSIS 1, ATTENUATED; POLYPOSIS, ADENOMATOUS INTESTINAL. Identifiers: MedGen C2713442, MONDO:0021056, OMIM 175100. Disease mechanism: loss of function.

Allele frequency attached by ClinVar (database versions not stated): TOPMed below 0.00001.
gnomAD v4.1: 5 of 1,613,766 alleles (0.00031%); highest among the groups gnomAD compares: Non-Finnish European, 0.00042%; no homozygotes.

Submissions (5):

Labcorp Genetics (formerly Invitae), Labcorp
Classification: Uncertain significance for Familial adenomatous polyposis 1. Last evaluated: 2025-10-22. Review status: criteria provided, single submitter. Criteria: Invitae Variant Classification Sherloc (09022015). Collection method: clinical testing. Allele origin: germline.
Comment: This sequence change replaces aspartic acid, which is acidic and polar, with glycine, which is neutral and non-polar, at codon 1868 of the APC protein (p.Asp1868Gly). This variant is present in population databases (rs781026376, gnomAD 0.0009%). This missense change has been observed in individual(s) with breast cancer (PMID: 25186627). ClinVar contains an entry for this variant (Variation ID: 184835). Invitae Evidence Modeling of protein sequence and biophysical properties (such as structural, functional, and spatial information, amino acid conservation, physicochemical variation, residue mobility, and thermodynamic stability) indicates that this missense variant is not expected to disrupt APC protein function with a negative predictive value of 95%. In summary, the available evidence is currently insufficient to determine the role of this variant in disease. Therefore, it has been classified as a Variant of Uncertain Significance.

All of Us Research Program, National Institutes of Health
Classification: Uncertain significance for Classic or attenuated familial adenomatous polyposis. Last evaluated: 2024-01-11. Review status: criteria provided, single submitter. Criteria: ACMG Guidelines, 2015. Collection method: clinical testing. Allele origin: germline. Inheritance: Autosomal dominant inheritance. Observed: 4 variant alleles, 4 heterozygotes.
Comment: This missense variant replaces aspartic acid with glycine at codon 1868 of the APC protein. Computational prediction suggests that this variant may not impact protein structure and function (internally defined REVEL score threshold <= 0.5, PMID: 27666373). To our knowledge, functional studies have not been reported for this variant. This variant has been reported in an individual affected with hereditary breast cancer (PMID: 25186627). This variant has been identified in 1/250918 chromosomes in the general population by the Genome Aggregation Database (gnomAD). The available evidence is insufficient to determine the role of this variant in disease conclusively. Therefore, this variant is classified as a Variant of Uncertain Significance.

This study involves interpretation of variants in research participants for the purpose of population health screening. Participant phenotype was not available at the time of variant classification. Additional details can be found in publication PMID: 35346344, PMCID: PMC8962531

Ambry Genetics
Classification: Uncertain significance for Hereditary cancer-predisposing syndrome. Last evaluated: 2023-10-19. Review status: criteria provided, single submitter. Criteria: Ambry Variant Classification Scheme 2023. Collection method: clinical testing. Allele origin: germline.
Comment: The p.D1868G variant (also known as c.5603A>G), located in coding exon 15 of the APC gene, results from an A to G substitution at nucleotide position 5603. The aspartic acid at codon 1868 is replaced by glycine, an amino acid with similar properties. This amino acid position is well conserved in available vertebrate species. In addition, in silico predictors for this gene do not accurately predict pathogenicity. Since supporting evidence is limited at this time, the clinical significance of this alteration remains unclear.

Color Diagnostics, LLC DBA Color Health
Classification: Uncertain significance for Hereditary cancer-predisposing syndrome. Last evaluated: 2023-02-23. Review status: criteria provided, single submitter. Criteria: ACMG Guidelines, 2015. Collection method: clinical testing. Allele origin: germline.
Comment: This missense variant replaces aspartic acid with glycine at codon 1868 of the APC protein. Computational prediction suggests that this variant may not impact protein structure and function (internally defined REVEL score threshold <= 0.5, PMID: 27666373). To our knowledge, functional studies have not been reported for this variant. This variant has been reported in an individual affected with hereditary breast cancer (PMID: 25186627). This variant has been identified in 1/250918 chromosomes in the general population by the Genome Aggregation Database (gnomAD). The available evidence is insufficient to determine the role of this variant in disease conclusively. Therefore, this variant is classified as a Variant of Uncertain Significance.

GeneDx
Classification: Uncertain significance. Last evaluated: 2022-10-21. Review status: criteria provided, single submitter. Criteria: GeneDx Variant Classification Process June 2021. Collection method: clinical testing. Allele origin: germline. Affected: yes.
Comment: Not observed at significant frequency in large population cohorts (gnomAD); In silico analysis supports that this missense variant does not alter protein structure/function; Has not been previously published as pathogenic or benign to our knowledge; This variant is associated with the following publications: (PMID: 18199528)

Literature cited by the submitters: PubMed 25186627 (cited by 4 submitters).